The following is an entry in ClinVar:

NM_000540.3(RYR1):c.2786+1G>C

Gene: RYR1 (ryanodine receptor 1; plus strand). Cytogenetic location: 19q13.2.
Variant type: single nucleotide variant.
Coding change: c.2786+1G>C on transcript NM_000540.3 (MANE Select); the canonical splice donor site of the intron after coding-DNA position 2786, G replaced by C.
Molecular consequence: splice donor variant.
Genome position (GRCh38, 1-based): chr19:38,463,851, G>C. VCF-style: chr19-38463851-G-C. GRCh37 (hg19) VCF-style: chr19-38954491-G-C.
Other names: c.2786+1G>C (NM_001042723.2).
Identifiers: ClinVar variation 3775467 (VCV003775467.1).
Genomic context (GRCh38, chr19:38,463,851, plus strand): 5'-CCACAGCCTTCCAGAGCCTGAGAGGAACTACAACCTGCAGATGTCTGGGGAGACGCTCAA[G>C]TGAGGGCCCAGGGGAGCCGGGGGTTGGGGCTGGCTGCTGGTGCGGTGGGGGAGGGAGGCA-3'

ClinVar aggregate classification (germline): Likely pathogenic (1 of 4 stars; one submission).

Conditions:
Congenital multicore myopathy with external ophthalmoplegia (CMYO1B). Also called: Minicore myopathy with external ophthalmoplegia; MULTIMINICORE DISEASE WITH EXTERNAL OPHTHALMOPLEGIA; MULTICORE MYOPATHY; Congenital myopathy 1B, autosomal recessive; Minicore myopathy. Identifiers: Orphanet 598, Orphanet 98905, MedGen C1850674, MONDO:0009712, OMIM 255320, HP:0003789.

Submission:

3billion
Classification: Likely pathogenic for Congenital multicore myopathy with external ophthalmoplegia. Last evaluated: 2023-09-12. Review status: criteria provided, single submitter. Criteria: ACMG Guidelines, 2015. Collection method: clinical testing. Allele origin: germline. Affected: yes.
Comment: The variant is not observed in the gnomAD v2.1.1 dataset. Predicted Consequence/Location: Canonical splice site: predicted to alter splicing and result in a loss or disruption of normal protein function. Multiple pathogenic loss-of-function variants are reported downstream of the variant. Therefore, this variant is classified as Likely pathogenic according to the recommendation of ACMG/AMP guideline.